The following is an entry in ClinVar:

NM_001009944.3(PKD1):c.11249G>C (p.Arg3750Pro)

Genes: PKD1 (polycystin 1, transient receptor potential channel interacting; minus strand), PKD1-AS1 (PKD1 antisense RNA 1; plus strand). Cytogenetic location: 16p13.3.
Variant type: single nucleotide variant.
Coding change: c.11249G>C on transcript NM_001009944.3 (MANE Select); coding-DNA position 11249, G replaced by C.
Protein change: p.Arg3750Pro; replaces arginine 3750 with proline.
Molecular consequence: missense variant.
Genome position (GRCh38, 1-based): chr16:2,092,500, C>G on the plus strand (G>C on the coding strand, the complement: PKD1 is on the minus strand). VCF-style: chr16-2092500-C-G. GRCh37 (hg19) VCF-style: chr16-2142501-C-G.
Other names: c.11246G>C, p.Arg3749Pro (NM_000296.4); short protein forms R3749P, R3750P.
Identifiers: ClinVar variation 811094 (VCV000811094.8), dbSNP rs1327414405, ClinGen allele CA394336164.
Genomic context (GRCh38, chr16:2,092,500, plus strand): 5'-AGGAACGATTTAAGTCTTGGGGCACGCCCTGCCAGCTCACCTTCCTGCAGCCGCACCTGC[C>G]GCAGCCGTGGGGGCCCCAGCTCTGGGCTGGACTGGTTCCCGTGGACGTAGGGCAGCAGCA-3'
Protein context (NP_001009944.3, residues 3740-3760): SSPELGPPRL[Arg3750Pro]QVRLQEALYP

ClinVar aggregate classification (germline): Likely pathogenic (1 of 4 stars; one submission).

Conditions:
Polycystic kidney disease, adult type (PKD1). Also called: POLYCYSTIC KIDNEY DISEASE 1 WITH OR WITHOUT POLYCYSTIC LIVER DISEASE; POLYCYSTIC KIDNEY DISEASE, ADULT, TYPE I; Polycystic Kidney, Autosomal Dominant; Polycystic Kidney Disease 1, Autosomal Dominant; Polycystic kidney disease 1; Polycystic kidney disease 1, severe. Identifiers: MedGen C3149841, MONDO:0008263, OMIM 173900.

Submission:

ARUP Laboratories, Molecular Genetics and Genomics, ARUP Laboratories
Classification: Likely pathogenic for Polycystic kidney disease, adult type. Last evaluated: 2018-07-23. Review status: criteria provided, single submitter. Criteria: ARUP Molecular Germline Variant Investigation Process. Collection method: clinical testing. Allele origin: germline.
Comment: The PKD1 c.11249G>C; p.Arg3750Pro variant, is reported in the literature in a single individual affected with autosomal dominant polycystic kidney disease (Heyer 2016). This variant is absent from general population databases (1000 Genomes Project, Exome Variant Server, and Genome Aggregation Database), indicating it is not a common polymorphism. Another variant at this codon (c.11249G>A; p.Arg3750Gln) has been reported in multiple individuals with ADPKD and is considered pathogenic (Audrezet 2012, Bataille 2011, Cornec-Le Gall 2013, Hoefele 2011). The arginine at codon 3750 is moderately conserved and computational analyses (SIFT, PolyPhen-2) predict that this variant is deleterious. Based on available information, this variant is considered to be likely pathogenic. References: Audrezet MP et al. Autosomal dominant polycystic kidney disease: comprehensive mutation analysis of PKD1 and PKD2 in 700 unrelated patients. Hum Mutat. 2012 Aug;33(8):1239-50. Bataille S et al. High Resolution Melt analysis for mutation screening in PKD1 and PKD2. BMC Nephrol. 2011 Oct 18;12:57. Cornec-Le Gall E et al. Type of PKD1 mutation influences renal outcome in ADPKD. J Am Soc Nephrol. 2013 May;24(6):1006-13. Heyer CM et al. Predicted Mutation Strength of Nontruncating PKD1 Mutations Aids Genotype-Phenotype Correlations in Autosomal Dominant Polycystic Kidney Disease. J Am Soc Nephrol. 2016 Sep;27(9):2872-84. Hoefele J et al. Novel PKD1 and PKD2 mutations in autosomal dominant polycystic kidney disease (ADPKD). Nephrol Dial Transplant. 2011 Jul;26(7):2181-8.